The following is an entry in ClinVar:

ClinVar aggregate classification (germline): Benign (1 of 4 stars; one submission).

Submission:

CeGaT Center for Human Genetics Tuebingen
Classification: Benign. Last evaluated: 2025-05-01. Review status: criteria provided, single submitter. Criteria: CeGaT Center For Human Genetics Tuebingen Variant Classification Criteria Version 2. Collection method: clinical testing. Allele origin: germline. Affected: yes. Observed: 1 variant allele.
Comment: NTRK2: BS1, BS2

NM_006180.6(NTRK2):c.1633+21565_1633+21577dup

Gene: NTRK2 (neurotrophic receptor tyrosine kinase 2; plus strand). Cytogenetic location: 9q21.33.
Variant type: Duplication.
Coding change: c.1633+21565_1633+21577dup on transcript NM_006180.6 (MANE Select); bases 21565 to 21577 of the intron after coding-DNA position 1633, 13 bases duplicated (TTTTTTTTTTTTT).
Molecular consequence: intron variant.
Genome position (GRCh38, 1-based): chr9:84,888,996-84,889,008, TTTTTTTTTTTTT duplicated; duplicating any 13 consecutive bases within chr9:84,888,983-84,889,008 gives the same sequence; the c. name uses the placement nearest the transcript's 3' end. VCF-style (leftmost placement, unchanged base first): chr9-84888982-A-ATTTTTTTTTTTTT. GRCh37 (hg19) VCF-style: chr9-87503897-A-ATTTTTTTTTTTTT.
Other names: c.1585+21565_1585+21577dup (NM_001369532.1, NM_001369533.1, NM_001018064.3); c.1549+21565_1549+21577dup (NM_001369534.1); c.1165+21565_1165+21577dup (NM_001369536.1); c.1117+21565_1117+21577dup (NM_001369535.1).
Identifiers: ClinVar variation 3905575 (VCV003905575.10).